The following is an entry in ClinVar:

NM_020745.4(AARS2):c.2524C>T (p.Arg842Trp)

Gene: AARS2 (alanyl-tRNA synthetase 2, mitochondrial; minus strand). Cytogenetic location: 6p21.1.
Variant type: single nucleotide variant.
Coding change: c.2524C>T on transcript NM_020745.4 (MANE Select); coding-DNA position 2524, C replaced by T.
Protein change: p.Arg842Trp; replaces arginine 842 with tryptophan.
Molecular consequence: missense variant.
Genome position (GRCh38, 1-based): chr6:44,302,134, G>A on the plus strand (C>T on the coding strand, the complement: AARS2 is on the minus strand). VCF-style: chr6-44302134-G-A. GRCh37 (hg19) VCF-style: chr6-44269871-G-A.
Other names: short protein forms R842W.
Identifiers: ClinVar variation 1349031 (VCV001349031.7), dbSNP rs778582339, ClinGen allele CA3833940.

ClinVar aggregate classification (germline): Uncertain significance (1 of 4 stars; one submission).

Allele frequency attached by ClinVar (database versions not stated): ExAC 0.00001; gnomAD exomes 0.00001; TOPMed 0.00002.

Submission:

Labcorp Genetics (formerly Invitae), Labcorp
Classification: Uncertain significance. Last evaluated: 2021-12-12. Review status: criteria provided, single submitter. Criteria: Invitae Variant Classification Sherloc (09022015). Collection method: clinical testing. Allele origin: germline.
Comment: In summary, the available evidence is currently insufficient to determine the role of this variant in disease. Therefore, it has been classified as a Variant of Uncertain Significance. Algorithms developed to predict the effect of sequence changes on RNA splicing suggest that this variant may create or strengthen a splice site. Advanced modeling of protein sequence and biophysical properties (such as structural, functional, and spatial information, amino acid conservation, physicochemical variation, residue mobility, and thermodynamic stability) performed at Invitae indicates that this missense variant is not expected to disrupt AARS2 protein function. This variant has not been reported in the literature in individuals affected with AARS2-related conditions. This variant is present in population databases (rs778582339, gnomAD 0.006%). This sequence change replaces arginine, which is basic and polar, with tryptophan, which is neutral and slightly polar, at codon 842 of the AARS2 protein (p.Arg842Trp).